The following is an entry in ClinVar:

ClinVar aggregate classification (germline): Uncertain significance (1 of 4 stars; one submission).

Conditions:
Baller-Gerold syndrome (BGS). Also called: CRANIOSYNOSTOSIS WITH RADIAL DEFECTS. Identifiers: Orphanet 1225, MedGen C0265308, MONDO:0009039, OMIM 218600.

Submission:

Labcorp Genetics (formerly Invitae), Labcorp
Classification: Uncertain significance for Baller-Gerold syndrome. Last evaluated: 2026-01-05. Review status: criteria provided, single submitter. Criteria: Invitae Variant Classification Sherloc (09022015). Collection method: clinical testing. Allele origin: germline.
Comment: This sequence change replaces histidine, which is basic and polar, with leucine, which is neutral and non-polar, at codon 554 of the RECQL4 protein (p.His554Leu). This variant is not present in population databases (gnomAD no frequency). This variant has not been reported in the literature in individuals affected with RECQL4-related conditions. ClinVar contains an entry for this variant (Variation ID: 937968). Invitae Evidence Modeling of protein sequence and biophysical properties (such as structural, functional, and spatial information, amino acid conservation, physicochemical variation, residue mobility, and thermodynamic stability) indicates that this missense variant is expected to disrupt RECQL4 protein function with a positive predictive value of 80%. In summary, the available evidence is currently insufficient to determine the role of this variant in disease. Therefore, it has been classified as a Variant of Uncertain Significance.

NM_004260.4(RECQL4):c.1661A>T (p.His554Leu)

Gene: RECQL4 (RecQ like helicase 4; minus strand). Cytogenetic location: 8q24.3.
Variant type: single nucleotide variant.
Coding change: c.1661A>T on transcript NM_004260.4 (MANE Select); coding-DNA position 1661, A replaced by T.
Protein change: p.His554Leu; replaces histidine 554 with leucine.
Molecular consequence: missense variant.
Genome position (GRCh38, 1-based): chr8:144,514,485, T>A on the plus strand (A>T on the coding strand, the complement: RECQL4 is on the minus strand). VCF-style: chr8-144514485-T-A. GRCh37 (hg19) VCF-style: chr8-145739869-T-A.
Other names: short protein forms H554L.
Identifiers: ClinVar variation 937968 (VCV000937968.6), dbSNP rs779426316, ClinGen allele CA372681747.
Genomic context (GRCh38, chr8:144,514,485, plus strand): 5'-GCCCATGAGGCCCCCACCTTCTGCAGGACAGATTCCCGTTGCTTCCTGGTCATGCCCGAG[T>A]GTATGCAGGCCGCCTTGAGACACGGTGGCAGGCCAGACACCTGCAAATGCAGGAGCGACA-3'
Protein context (NP_004251.4, residues 544-564): LPPCLKAACI[His554Leu]SGMTRKQRES